The following is an entry in ClinVar:

ClinVar aggregate classification (germline): Uncertain significance. Review status: criteria provided, multiple submitters, no conflicts (2 of 4 stars). 3 submissions from 3 submitters: Uncertain significance (3). Last evaluated 2025-08-04.

Conditions:
Retinal dystrophy. Also called: Inherited retinal dystrophy. Identifiers: Orphanet 71862, MedGen C0854723, MeSH D058499, MONDO:0019118, HP:0000556.
Retinitis pigmentosa (RP). Identifiers: Orphanet 791, MedGen C0035334, MeSH D012174, MONDO:0019200, OMIM 268000. Inheritance: Autosomal dominant, autosomal recessive and X linked inheritance.

Allele frequency attached by ClinVar (database versions not stated): ExAC 0.00002; gnomAD exomes 0.00002 and 0.00003; TOPMed 0.00002; gnomAD 0.00003 and 0.00004.
gnomAD v4.1: 39 of 1,614,036 alleles (0.0024%); highest among the groups gnomAD compares: Middle Eastern, 0.016%; no homozygotes.

Submissions (3):

Labcorp Genetics (formerly Invitae), Labcorp
Classification: Uncertain significance. Last evaluated: 2025-08-04. Review status: criteria provided, single submitter. Criteria: Invitae Variant Classification Sherloc (09022015). Collection method: clinical testing. Allele origin: germline.
Comment: This sequence change replaces arginine, which is basic and polar, with tryptophan, which is neutral and slightly polar, at codon 287 of the ROM1 protein (p.Arg287Trp). This variant is present in population databases (rs768652143, gnomAD 0.009%). This variant has not been reported in the literature in individuals affected with ROM1-related conditions. ClinVar contains an entry for this variant (Variation ID: 522904). Invitae Evidence Modeling of protein sequence and biophysical properties (such as structural, functional, and spatial information, amino acid conservation, physicochemical variation, residue mobility, and thermodynamic stability) indicates that this missense variant is not expected to disrupt ROM1 protein function with a negative predictive value of 80%. In summary, the available evidence is currently insufficient to determine the role of this variant in disease. Therefore, it has been classified as a Variant of Uncertain Significance.

Institute of Human Genetics, Univ. Regensburg, Univ. Regensburg
Classification: Uncertain significance for Retinal dystrophy. Last evaluated: 2022-01-01. Review status: criteria provided, single submitter. Criteria: ACMG Guidelines, 2015. Collection method: clinical testing. Allele origin: germline. Affected: yes.

Genomic Research Center, Shahid Beheshti University of Medical Sciences
Classification: Uncertain significance for Retinitis pigmentosa. Last evaluated: 2020-05-03. Review status: criteria provided, single submitter. Criteria: ACMG Guidelines, 2015. Collection method: clinical testing. Allele origin: unknown. Affected: yes.

Literature cited by the submitters: PubMed 34148116 (cited by Institute of Human Genetics, Univ. Regensburg, Univ. Regensburg).

NM_000327.4(ROM1):c.859C>T (p.Arg287Trp)

Gene: ROM1 (retinal outer segment membrane protein 1; plus strand). Cytogenetic location: 11q12.3.
Variant type: single nucleotide variant.
Coding change: c.859C>T on transcript NM_000327.4 (MANE Select); coding-DNA position 859, C replaced by T.
Protein change: p.Arg287Trp; replaces arginine 287 with tryptophan.
Molecular consequence: missense variant.
Genome position (GRCh38, 1-based): chr11:62,614,642, C>T. VCF-style: chr11-62614642-C-T. GRCh37 (hg19) VCF-style: chr11-62382114-C-T.
Other names: short protein forms R287W.
Identifiers: ClinVar variation 522904 (VCV000522904.11), dbSNP rs768652143, ClinGen allele CA6049858.